The following is an entry in ClinVar:

ClinVar aggregate classification (germline): Benign. Review status: criteria provided, multiple submitters, no conflicts (2 of 4 stars). 3 submissions from 3 submitters: Benign (2). 1 of the submissions does not count toward it. Last evaluated 2018-09-11.

Conditions:
MEI1-related disorder. Also called: MEI1-related condition.

Allele frequency attached by ClinVar (database versions not stated): gnomAD exomes 0.00207 and 0.00484; gnomAD 0.01821 and 0.01736; ESP Exome Variant Server 0.01876; TOPMed 0.01959; 1000 Genomes Project 0.01997; 1000 Genomes Project 30x 0.02186; ExAC 0.00626.
gnomAD v4.1: 5,907 of 1,612,704 alleles (0.37%); highest among the groups gnomAD compares: African/African-American, 6.1%; 163 homozygotes.

Submissions (3):

Labcorp Genetics (formerly Invitae), Labcorp
Classification: Benign. Last evaluated: 2018-09-11. Review status: criteria provided, single submitter. Criteria: Invitae Variant Classification Sherloc (09022015). Collection method: clinical testing. Allele origin: germline.

Breakthrough Genomics
Classification: Benign. Review status: criteria provided, single submitter. Criteria: ACMG Guidelines, 2015. Collection method: not provided. Allele origin: germline. Inheritance: Autosomal recessive inheritance. Affected: yes.

PreventionGenetics, part of Exact Sciences
Classification: Likely benign for MEI1-related condition. Last evaluated: 2019-02-28. Review status: no assertion criteria provided. Collection method: clinical testing. Allele origin: germline. Not counted in ClinVar's aggregate classification.
Comment: This variant is classified as likely benign based on ACMG/AMP sequence variant interpretation guidelines (Richards et al. 2015 PMID: 25741868, with internal and published modifications).

NM_152513.4(MEI1):c.61G>A (p.Ala21Thr)

Gene: MEI1 (meiotic double-stranded break formation protein 1; plus strand). Cytogenetic location: 22q13.2.
Variant type: single nucleotide variant.
Coding change: c.61G>A on transcript NM_152513.4 (MANE Select); coding-DNA position 61, G replaced by A.
Protein change: p.Ala21Thr; replaces alanine 21 with threonine.
Molecular consequence: missense variant.
Genome position (GRCh38, 1-based): chr22:41,699,599, G>A. VCF-style: chr22-41699599-G-A. GRCh37 (hg19) VCF-style: chr22-42095603-G-A.
Other names: short protein forms A21T.
Identifiers: ClinVar variation 778952 (VCV000778952.6), dbSNP rs73424975, ClinGen allele CA10259744.